The following is an entry in ClinVar:

ClinVar aggregate classification (germline): Uncertain significance (1 of 4 stars; one submission).

gnomAD v4.1: 1 of 1,614,110 alleles (0.000062%); highest among the groups gnomAD compares: South Asian, 0.0011%; no homozygotes.

Submission:

Ambry Genetics
Classification: Uncertain significance. Last evaluated: 2025-07-15. Review status: criteria provided, single submitter. Criteria: Ambry Variant Classification Scheme 2023. Collection method: clinical testing. Allele origin: germline.
Comment: The p.E554K variant (also known as c.1660G>A), located in coding exon 11 of the CTNNA3 gene, results from a G to A substitution at nucleotide position 1660. The glutamic acid at codon 554 is replaced by lysine, an amino acid with similar properties. This amino acid position is conserved. In addition, this alteration is predicted to be deleterious by in silico analysis. Based on the available evidence, the clinical significance of this variant remains unclear.

NM_013266.4(CTNNA3):c.1660G>A (p.Glu554Lys)

Gene: CTNNA3 (catenin alpha 3; minus strand). Cytogenetic location: 10q21.3.
Variant type: single nucleotide variant.
Coding change: c.1660G>A on transcript NM_013266.4 (MANE Select); coding-DNA position 1660, G replaced by A.
Protein change: p.Glu554Lys; replaces glutamic acid 554 with lysine.
Molecular consequence: missense variant.
Genome position (GRCh38, 1-based): chr10:66,379,224, C>T on the plus strand (G>A on the coding strand, the complement: CTNNA3 is on the minus strand). VCF-style: chr10-66379224-C-T. GRCh37 (hg19) VCF-style: chr10-68138982-C-T.
Other names: c.1660G>A, p.Glu554Lys (NM_001127384.3); short protein forms E554K.
Identifiers: ClinVar variation 4235676 (VCV004235676.1).